The following is an entry in ClinVar:

ClinVar aggregate classification (germline): Uncertain significance. Review status: criteria provided, multiple submitters, no conflicts (2 of 4 stars). 4 submissions from 4 submitters: Uncertain significance (4). Last evaluated 2026-01-19.

Conditions:
Cardiovascular phenotype. Identifiers: MedGen CN230736.
Hereditary cancer-predisposing syndrome. Also called: Hereditary Cancer Syndrome; Neoplastic Syndromes, Hereditary; Tumor predisposition; Hereditary neoplastic syndrome. Identifiers: Orphanet 140162, MedGen C0027672, MeSH D009386, MONDO:0015356.
Neurofibromatosis, type 1 (NF1). Also called: VON RECKLINGHAUSEN DISEASE; Neurofibromatosis, type I; Peripheral type neurofibromatosis; NEUROFIBROMATOSIS, TYPE I, SOMATIC. Identifiers: Orphanet 636, MedGen C0027831, MONDO:0018975, OMIM 162200. Disease mechanism: loss of function.

gnomAD v4.1: 1 of 1,614,206 alleles (0.000062%); highest among the groups gnomAD compares: Non-Finnish European, 0.000085%; no homozygotes.

Submissions (4):

Dasa
Classification: Uncertain significance. Last evaluated: 2026-01-19. Review status: criteria provided, single submitter. Criteria: DASA Assertion Criteria. Collection method: clinical testing. Allele origin: germline.
Comment: NM_001042492.3(NF1):c.5351A>G (p.Tyr1784Cys) is a missense variant that results in the substitution of tyrosine with cysteine. This variant is rare in population databases. Computational prediction algorithms are consistent with a deleterious effect. The currently available literature and clinical evidence are not sufficient to establish a definitive association between this variant and the reported condition. Therefore, this variant is classified as a variant of uncertain significance.

Labcorp Genetics (formerly Invitae), Labcorp
Classification: Uncertain significance for Neurofibromatosis, type 1. Last evaluated: 2024-10-08. Review status: criteria provided, single submitter. Criteria: Invitae Variant Classification Sherloc (09022015). Collection method: clinical testing. Allele origin: germline.
Comment: This sequence change replaces tyrosine, which is neutral and polar, with cysteine, which is neutral and slightly polar, at codon 1763 of the NF1 protein (p.Tyr1763Cys). This variant is not present in population databases (gnomAD no frequency). This variant has not been reported in the literature in individuals affected with NF1-related conditions. ClinVar contains an entry for this variant (Variation ID: 825620). Invitae Evidence Modeling of protein sequence and biophysical properties (such as structural, functional, and spatial information, amino acid conservation, physicochemical variation, residue mobility, and thermodynamic stability) indicates that this missense variant is expected to disrupt NF1 protein function with a positive predictive value of 95%. In summary, the available evidence is currently insufficient to determine the role of this variant in disease. Therefore, it has been classified as a Variant of Uncertain Significance.

Genome-Nilou Lab
Classification: Uncertain significance for Neurofibromatosis, type 1. Last evaluated: 2022-03-15. Review status: criteria provided, single submitter. Criteria: ACMG Guidelines, 2015. Collection method: clinical testing. Allele origin: germline. Affected: no.

Ambry Genetics
Classification: Uncertain significance for Cardiovascular phenotype; Hereditary cancer-predisposing syndrome. Last evaluated: 2021-08-12. Review status: criteria provided, single submitter. Criteria: Ambry Variant Classification Scheme 2023. Collection method: clinical testing. Allele origin: germline.
Comment: The p.Y1763C variant (also known as c.5288A>G), located in coding exon 37 of the NF1 gene, results from an A to G substitution at nucleotide position 5288. The tyrosine at codon 1763 is replaced by cysteine, an amino acid with highly dissimilar properties. This amino acid position is highly conserved in available vertebrate species. In addition, this alteration is predicted to be deleterious by in silico analysis. Since supporting evidence is limited at this time, the clinical significance of this alteration remains unclear.

NM_001042492.3(NF1):c.5351A>G (p.Tyr1784Cys)

Gene: NF1 (neurofibromin 1; plus strand). Cytogenetic location: 17q11.2.
Variant type: single nucleotide variant.
Coding change: c.5351A>G on transcript NM_001042492.3 (MANE Select); coding-DNA position 5351, A replaced by G.
Protein change: p.Tyr1784Cys; replaces tyrosine 1784 with cysteine.
Molecular consequence: missense variant.
Genome position (GRCh38, 1-based): chr17:31,327,581, A>G. VCF-style: chr17-31327581-A-G. GRCh37 (hg19) VCF-style: chr17-29654599-A-G.
Other names: c.5288A>G, p.Tyr1763Cys (NM_000267.4); short protein forms Y1763C, Y1784C.
Identifiers: ClinVar variation 825620 (VCV000825620.14), dbSNP rs1060500280, ClinGen allele CA399009242.